The following is an entry in ClinVar:

ClinVar aggregate classification (germline): Uncertain significance (1 of 4 stars; one submission).

Conditions:
Hereditary cancer-predisposing syndrome. Also called: Tumor predisposition; Neoplastic Syndromes, Hereditary; Hereditary Cancer Syndrome; Hereditary neoplastic syndrome. Identifiers: Orphanet 140162, MedGen C0027672, MeSH D009386, MONDO:0015356.

Submission:

Ambry Genetics
Classification: Uncertain significance for Hereditary cancer-predisposing syndrome. Last evaluated: 2024-10-25. Review status: criteria provided, single submitter. Criteria: Ambry Variant Classification Scheme 2023. Collection method: clinical testing. Allele origin: germline.
Comment: The p.A258V variant (also known as c.773C>T), located in coding exon 8 of the CDC73 gene, results from a C to T substitution at nucleotide position 773. The alanine at codon 258 is replaced by valine, an amino acid with similar properties. This amino acid position is conserved. In addition, the in silico prediction for this alteration is inconclusive. Based on the available evidence, the clinical significance of this variant remains unclear.

NM_024529.5(CDC73):c.773C>T (p.Ala258Val)

Gene: CDC73 (cell division cycle 73; plus strand). Cytogenetic location: 1q31.2.
Variant type: single nucleotide variant.
Coding change: c.773C>T on transcript NM_024529.5 (MANE Select); coding-DNA position 773, C replaced by T.
Protein change: p.Ala258Val; replaces alanine 258 with valine.
Molecular consequence: missense variant.
Genome position (GRCh38, 1-based): chr1:193,147,910, C>T. VCF-style: chr1-193147910-C-T. GRCh37 (hg19) VCF-style: chr1-193117040-C-T.
Other names: short protein forms A258V.
Identifiers: ClinVar variation 3488532 (VCV003488532.1).